The following is an entry in ClinVar:

ClinVar aggregate classification (germline): Benign (1 of 4 stars; one submission).

Conditions:
Episodic ataxia type 1 (EA1). Also called: ATAXIA, EPISODIC, WITH MYOKYMIA; MYOKYMIA WITH PERIODIC ATAXIA; PAROXYSMAL ATAXIA WITH NEUROMYOTONIA, HEREDITARY; Episodic ataxia/myokymia syndrome. Identifiers: Orphanet 37612, Orphanet 972, MedGen C1719788, MONDO:0008047, OMIM 160120.

Allele frequency attached by ClinVar (database versions not stated): 1000 Genomes Project 0.00200; 1000 Genomes Project 30x 0.00203; gnomAD exomes 0.00536; TOPMed 0.00622; gnomAD 0.00637 and 0.00657.

Submissions (4):

Illumina Laboratory Services, Illumina
Classification: Benign for Episodic ataxia type 1. Last evaluated: 2018-01-13. Review status: criteria provided, single submitter. Criteria: ICSL Variant Classification Criteria 13 December 2019. Collection method: clinical testing. Allele origin: germline.
Comment: This variant was observed in the ICSL laboratory as part of a predisposition screen in an ostensibly healthy population. It had not been previously curated by ICSL or reported in the Human Gene Mutation Database (HGMD: prior to June 1st, 2018), and was therefore a candidate for classification through an automated scoring system. Utilizing variant allele frequency, disease prevalence and penetrance estimates, and inheritance mode, an automated score was calculated to assess if this variant is too frequent to cause the disease. Based on the score and internal cut-off values, a variant classified as benign is not then subjected to further curation. The score for this variant resulted in a classification of benign for this disease.

Dr. Peter K. Rogan Lab, Western University
No classification provided (evidence only). Condition: Thymoma. Review status: no classification provided. Collection method: in vitro. Allele origin: not applicable. Functional consequence: retained intron. Not counted in ClinVar's aggregate classification.

Dr. Peter K. Rogan Lab, Western University
No classification provided (evidence only). Condition: Thymoma. Review status: no classification provided. Collection method: in vitro. Allele origin: not applicable. Functional consequence: retained intron. Not counted in ClinVar's aggregate classification.

Dr. Peter K. Rogan Lab, Western University
No classification provided (evidence only). Condition: Adrenocortical carcinoma, hereditary. Review status: no classification provided. Collection method: in vitro. Allele origin: not applicable. Functional consequence: retained intron. Not counted in ClinVar's aggregate classification.

NM_000217.3(KCNA1):c.*1577A>T

Gene: KCNA1 (potassium voltage-gated channel subfamily A member 1; plus strand). Cytogenetic location: 12p13.32.
Variant type: single nucleotide variant.
Coding change: c.*1577A>T on transcript NM_000217.3 (MANE Select); 1577 bases downstream of the stop codon, A replaced by T.
Molecular consequence: 3 prime UTR variant.
Genome position (GRCh38, 1-based): chr12:4,914,443, A>T. VCF-style: chr12-4914443-A-T. GRCh37 (hg19) VCF-style: chr12-5023609-A-T.
Other names: NC_000012.11:g.5023609A>T.
Identifiers: ClinVar variation 309174 (VCV000309174.7), dbSNP rs79432803, ClinGen allele CA10641564.